The following is an entry in ClinVar:

NM_001365999.1(SZT2):c.25G>A (p.Glu9Lys)

Genes: SZT2 (SZT2 subunit of KICSTOR complex; plus strand), LOC129930379 (ATAC-STARR-seq lymphoblastoid silent region 783; plus strand). Cytogenetic location: 1p34.2.
Variant type: single nucleotide variant.
Coding change: c.25G>A on transcript NM_001365999.1 (MANE Select); coding-DNA position 25, G replaced by A.
Protein change: p.Glu9Lys; replaces glutamic acid 9 with lysine.
Molecular consequence: missense variant.
Genome position (GRCh38, 1-based): chr1:43,389,993, G>A. VCF-style: chr1-43389993-G-A. GRCh37 (hg19) VCF-style: chr1-43855664-G-A.
Other names: c.25G>A, p.Glu9Lys (NM_015284.4); short protein forms E9K.
Identifiers: ClinVar variation 3623727 (VCV003623727.2).
Genomic context (GRCh38, chr1:43,389,993, plus strand): 5'-CCTCACTGGCCCGGGCCGGCGCGGGAGGGCTGTGTGATGGCCTCGGAGCGCCCGGAGCCG[G>A]AGGTGAGGGGCGGGCGGGCGCAGCACTGGGCCCCGAGATCCGAGGGGGAGGGTCCGGCGG-3'
Protein context (NP_001352928.1, residues 1-19): MASERPEP[Glu9Lys]VEEAGQVFLL

ClinVar aggregate classification (germline): Uncertain significance (1 of 4 stars; one submission).

Submission:

Labcorp Genetics (formerly Invitae), Labcorp
Classification: Uncertain significance. Last evaluated: 2024-06-22. Review status: criteria provided, single submitter. Criteria: Invitae Variant Classification Sherloc (09022015). Collection method: clinical testing. Allele origin: germline.
Comment: This sequence change replaces glutamic acid, which is acidic and polar, with lysine, which is basic and polar, at codon 9 of the SZT2 protein (p.Glu9Lys). This variant is present in population databases (rs775373251, gnomAD 0.009%). This variant has not been reported in the literature in individuals affected with SZT2-related conditions. An algorithm developed to predict the effect of missense changes on protein structure and function (PolyPhen-2) suggests that this variant is likely to be tolerated. In summary, the available evidence is currently insufficient to determine the role of this variant in disease. Therefore, it has been classified as a Variant of Uncertain Significance.